The following is an entry in ClinVar:

ClinVar aggregate classification (germline): Uncertain significance (1 of 4 stars; one submission).

Conditions:
Werner syndrome (WRN). Identifiers: Orphanet 902, MedGen C0043119, MONDO:0010196, OMIM 277700.

Submission:

Labcorp Genetics (formerly Invitae), Labcorp
Classification: Uncertain significance for Werner syndrome. Last evaluated: 2021-01-27. Review status: criteria provided, single submitter. Criteria: Invitae Variant Classification Sherloc (09022015). Collection method: clinical testing. Allele origin: germline.
Comment: In summary, the available evidence is currently insufficient to determine the role of this variant in disease. Therefore, it has been classified as a Variant of Uncertain Significance. Algorithms developed to predict the effect of missense changes on protein structure and function are either unavailable or do not agree on the potential impact of this missense change (SIFT: "Not Available"; PolyPhen-2: "Benign"; Align-GVGD: "Not Available"). This variant has not been reported in the literature in individuals with WRN-related conditions. This variant is not present in population databases (ExAC no frequency). This sequence change replaces serine with threonine at codon 1079 of the WRN protein (p.Ser1079Thr). The serine residue is moderately conserved and there is a small physicochemical difference between serine and threonine.

NM_000553.6(WRN):c.3235T>A (p.Ser1079Thr)

Gene: WRN (WRN RecQ like helicase; plus strand). Cytogenetic location: 8p12.
Variant type: single nucleotide variant.
Coding change: c.3235T>A on transcript NM_000553.6 (MANE Select); coding-DNA position 3235, T replaced by A.
Protein change: p.Ser1079Thr; replaces serine 1079 with threonine.
Molecular consequence: missense variant.
Genome position (GRCh38, 1-based): chr8:31,142,627, T>A. VCF-style: chr8-31142627-T-A. GRCh37 (hg19) VCF-style: chr8-31000143-T-A.
Other names: short protein forms S1079T.
Identifiers: ClinVar variation 1466426 (VCV001466426.6), dbSNP rs2130421699, ClinGen allele CA370923275.